The following is an entry in ClinVar:

NM_152564.5(VPS13B):c.6609A>C (p.Glu2203Asp)

Gene: VPS13B (vacuolar protein sorting 13 homolog B; plus strand). Cytogenetic location: 8q22.2.
Variant type: single nucleotide variant.
Coding change: c.6609A>C on transcript NM_152564.5 (MANE Select); coding-DNA position 6609, A replaced by C.
Protein change: p.Glu2203Asp; replaces glutamic acid 2203 with aspartic acid.
Molecular consequence: missense variant.
Genome position (GRCh38, 1-based): chr8:99,717,325, A>C. VCF-style: chr8-99717325-A-C. GRCh37 (hg19) VCF-style: chr8-100729553-A-C.
Other names: c.6684A>C, p.Glu2228Asp (NM_017890.5); short protein forms E2203D, E2228D.
Identifiers: ClinVar variation 1023935 (VCV001023935.10), dbSNP rs1421107785, ClinGen allele CA371867404.
Genomic context (GRCh38, chr8:99,717,325, plus strand): 5'-TTGTGCTACTGCCAATCTGGAAGCTAAGTGGTGTAAACACAGCGGGAATCCAGGCCCAGA[A>C]CAATCCATACCAAAAATATCCATTGACTTAAGAGGAGGTCTACTACAGGTCTGTGGGTAT-3'
Protein context (NP_689777.3, residues 2193-2213): WCKHSGNPGP[Glu2203Asp]QSIPKISIDL

ClinVar aggregate classification (germline): Uncertain significance. Review status: criteria provided, single submitter (1 of 4 stars). 2 submissions from 2 submitters: Uncertain significance (1). 1 of the submissions does not count toward it. Last evaluated 2022-02-05.

Conditions:
Cohen syndrome (COH1). Also called: Cutis verticis gyrata, retinitis pigmentosa, and sensorineural deafness; PEPPER SYNDROME. Identifiers: Orphanet 193, MedGen C0265223, MONDO:0008999, OMIM 216550.

Allele frequency attached by ClinVar (database versions not stated): gnomAD exomes below 0.00001; gnomAD 0.00001; TOPMed 0.00001.
gnomAD v4.1: 3 of 1,613,954 alleles (0.00019%); highest among the groups gnomAD compares: African/African-American, 0.004%; no homozygotes.

Submissions (2):

Labcorp Genetics (formerly Invitae), Labcorp
Classification: Uncertain significance for Cohen syndrome. Last evaluated: 2022-02-05. Review status: criteria provided, single submitter. Criteria: Invitae Variant Classification Sherloc (09022015). Collection method: clinical testing. Allele origin: germline.
Comment: In summary, the available evidence is currently insufficient to determine the role of this variant in disease. Therefore, it has been classified as a Variant of Uncertain Significance. Algorithms developed to predict the effect of missense changes on protein structure and function output the following: SIFT: "Not Available"; PolyPhen-2: "Benign"; Align-GVGD: "Not Available". The aspartic acid amino acid residue is found in multiple mammalian species, which suggests that this missense change does not adversely affect protein function. ClinVar contains an entry for this variant (Variation ID: 1023935). This variant has not been reported in the literature in individuals affected with VPS13B-related conditions. This variant is present in population databases (no rsID available, gnomAD 0.02%). This sequence change replaces glutamic acid, which is acidic and polar, with aspartic acid, which is acidic and polar, at codon 2228 of the VPS13B protein (p.Glu2228Asp).

Natera, Inc.
Classification: Uncertain significance for Cohen syndrome. Last evaluated: 2020-04-16. Review status: no assertion criteria provided. Collection method: clinical testing. Allele origin: germline. Not counted in ClinVar's aggregate classification.